The following is an entry in ClinVar:

ClinVar aggregate classification (germline): Uncertain significance. Review status: criteria provided, multiple submitters, no conflicts (2 of 4 stars). 5 submissions from 5 submitters: Uncertain significance (5). Last evaluated 2025-05-12.

Allele frequency attached by ClinVar (database versions not stated): ExAC 0.00002; gnomAD 0.00004; gnomAD exomes 0.00004 and 0.00009; TOPMed 0.00004; ESP Exome Variant Server 0.00008.
gnomAD v4.1: 130 of 1,602,070 alleles (0.0081%); highest among the groups gnomAD compares: Non-Finnish European, 0.011%; no homozygotes.

Submissions (5):

Labcorp Genetics (formerly Invitae), Labcorp
Classification: Uncertain significance. Last evaluated: 2025-05-12. Review status: criteria provided, single submitter. Criteria: Invitae Variant Classification Sherloc (09022015). Collection method: clinical testing. Allele origin: germline.
Comment: This sequence change replaces glutamic acid, which is acidic and polar, with lysine, which is basic and polar, at codon 2084 of the SPTBN2 protein (p.Glu2084Lys). This variant is present in population databases (rs145191943, gnomAD 0.008%). This missense change has been observed in individual(s) with cerebellar ataxia (PMID: 26456284). ClinVar contains an entry for this variant (Variation ID: 546671). Invitae Evidence Modeling of protein sequence and biophysical properties (such as structural, functional, and spatial information, amino acid conservation, physicochemical variation, residue mobility, and thermodynamic stability) indicates that this missense variant is not expected to disrupt SPTBN2 protein function with a negative predictive value of 80%. In summary, the available evidence is currently insufficient to determine the role of this variant in disease. Therefore, it has been classified as a Variant of Uncertain Significance.

GeneDx
Classification: Uncertain significance. Last evaluated: 2025-04-23. Review status: criteria provided, single submitter. Criteria: GeneDx Variant Classification Process June 2021. Collection method: clinical testing. Allele origin: germline. Affected: yes.
Comment: Observed in a patient with autosomal dominant cerebellar ataxia who also harbored a pathogenic variant in the CACNA1G gene (PMID: 26456284); In silico analysis indicates that this missense variant does not alter protein structure/function; This variant is associated with the following publications: (PMID: 17940722, 26456284)

CeGaT Center for Human Genetics Tuebingen
Classification: Uncertain significance. Last evaluated: 2024-10-01. Review status: criteria provided, single submitter. Criteria: CeGaT Center For Human Genetics Tuebingen Variant Classification Criteria Version 2. Collection method: clinical testing. Allele origin: germline. Affected: yes. Observed: 1 variant allele.

Revvity Omics, Revvity
Classification: Uncertain significance. Last evaluated: 2021-12-10. Review status: criteria provided, single submitter. Criteria: ACMG Guidelines, 2015. Collection method: clinical testing. Allele origin: germline.

Athena Diagnostics
Classification: Uncertain significance. Last evaluated: 2021-04-28. Review status: criteria provided, single submitter. Criteria: Athena Diagnostics criteria. Collection method: clinical testing. Allele origin: unknown.

Literature cited by the submitters: PubMed 26456284 (cited by Labcorp Genetics (formerly Invitae), Labcorp and Athena Diagnostics); PubMed 17940722 (cited by Athena Diagnostics).

NM_006946.4(SPTBN2):c.6250G>A (p.Glu2084Lys)

Gene: SPTBN2 (spectrin beta, non-erythrocytic 2; minus strand). Cytogenetic location: 11q13.2.
Variant type: single nucleotide variant.
Coding change: c.6250G>A on transcript NM_006946.4 (MANE Select); coding-DNA position 6250, G replaced by A.
Protein change: p.Glu2084Lys; replaces glutamic acid 2084 with lysine.
Molecular consequence: missense variant.
Genome position (GRCh38, 1-based): chr11:66,688,293, C>T on the plus strand (G>A on the coding strand, the complement: SPTBN2 is on the minus strand). VCF-style: chr11-66688293-C-T. GRCh37 (hg19) VCF-style: chr11-66455764-C-T.
Other names: c.6250G>A (NM_006946.3); short protein forms E2084K.
Identifiers: ClinVar variation 546671 (VCV000546671.54), dbSNP rs145191943, ClinGen allele CA6128002.